The following is an entry in ClinVar:

ClinVar aggregate classification (germline): Uncertain significance (0 of 4 stars; one submission).

Conditions:
VPS13B-related disorder. Also called: VPS13B-related condition.

Submission:

PreventionGenetics, part of Exact Sciences
Classification: Uncertain significance for VPS13B-related condition. Last evaluated: 2023-10-27. Review status: no assertion criteria provided. Collection method: clinical testing. Allele origin: germline.
Comment: The VPS13B c.6980T>A variant is predicted to result in the amino acid substitution p.Ile2327Lys. To our knowledge, this variant has not been reported in the literature or in a large population database, indicating this variant is rare. At this time, the clinical significance of this variant is uncertain due to the absence of conclusive functional and genetic evidence.

NM_152564.5(VPS13B):c.6980T>A (p.Ile2327Lys)

Gene: VPS13B (vacuolar protein sorting 13 homolog B; plus strand). Cytogenetic location: 8q22.2.
Variant type: single nucleotide variant.
Coding change: c.6980T>A on transcript NM_152564.5 (MANE Select); coding-DNA position 6980, T replaced by A.
Protein change: p.Ile2327Lys; replaces isoleucine 2327 with lysine.
Molecular consequence: missense variant.
Genome position (GRCh38, 1-based): chr8:99,720,977, T>A. VCF-style: chr8-99720977-T-A. GRCh37 (hg19) VCF-style: chr8-100733205-T-A.
Other names: c.7055T>A, p.Ile2352Lys (NM_017890.5); short protein forms I2327K, I2352K.
Identifiers: ClinVar variation 3349073 (VCV003349073.1).